The following is an entry in ClinVar:

NM_000426.4(LAMA2):c.6573+1G>C

Gene: LAMA2 (laminin subunit alpha 2; plus strand). Cytogenetic location: 6q22.33.
Variant type: single nucleotide variant.
Coding change: c.6573+1G>C on transcript NM_000426.4 (MANE Select); the canonical splice donor site of the intron after coding-DNA position 6573, G replaced by C.
Molecular consequence: splice donor variant.
Genome position (GRCh38, 1-based): chr6:129,453,132, G>C. VCF-style: chr6-129453132-G-C. GRCh37 (hg19) VCF-style: chr6-129774277-G-C.
Other names: c.6573+1G>C (NM_001079823.2).
Identifiers: ClinVar variation 2813776 (VCV002813776.3), dbSNP rs757435241, ClinGen allele CA146883648.

ClinVar aggregate classification (germline): Likely pathogenic (1 of 4 stars; one submission).

Conditions:
LAMA2-related muscular dystrophy (LAMA2-RD). Also called: Laminin alpha 2-related dystrophy. Identifiers: MedGen C5679788, MONDO:0100228.

Submission:

Labcorp Genetics (formerly Invitae), Labcorp
Classification: Likely pathogenic for LAMA2-related muscular dystrophy. Last evaluated: 2023-02-05. Review status: criteria provided, single submitter. Criteria: Invitae Variant Classification Sherloc (09022015). Collection method: clinical testing. Allele origin: germline.
Comment: In summary, the currently available evidence indicates that the variant is pathogenic, but additional data are needed to prove that conclusively. Therefore, this variant has been classified as Likely Pathogenic. This sequence change affects a donor splice site in intron 46 of the LAMA2 gene. It is expected to disrupt RNA splicing. Variants that disrupt the donor or acceptor splice site typically lead to a loss of protein function (PMID: 16199547), and loss-of-function variants in LAMA2 are known to be pathogenic (PMID: 18700894, 32904964). This variant is not present in population databases (gnomAD no frequency). This variant has not been reported in the literature in individuals affected with LAMA2-related conditions. Algorithms developed to predict the effect of sequence changes on RNA splicing suggest that this variant may disrupt the consensus splice site.

Literature cited by the submitters: PubMed 16199547; PubMed 18700894; PubMed 32904964.